The following is an entry in ClinVar:

NM_005677.4(COLQ):c.157dup (p.Leu53fs)

Gene: COLQ (collagen like tail subunit of asymmetric acetylcholinesterase; minus strand). Cytogenetic location: 3p25.1.
Variant type: Duplication.
Coding change: c.157dup on transcript NM_005677.4 (MANE Select); coding-DNA position 157, one base duplicated (C; older notation c.157dupC).
Protein change: p.Leu53fs; shifts the reading frame from leucine 53.
Molecular consequence: frameshift variant.
Genome position (GRCh38, 1-based): chr3:15,489,587, G duplicated on the plus strand (C on the coding strand, the reverse complement: COLQ is on the minus strand); the first of 2 consecutive G bases (chr3:15,489,587-15,489,588); duplicating either gives the same sequence. VCF-style (leftmost placement, unchanged base first): chr3-15489586-A-AG. GRCh37 (hg19) VCF-style: chr3-15531093-A-AG.
Other names: c.127dup, p.Leu43fs (NM_080538.2); c.157dup, p.Leu53fs (NM_080539.4); c.157dupC (NM_005677.3); short protein forms L43fs, L53fs.
Identifiers: ClinVar variation 468343 (VCV000468343.14), dbSNP rs971863968, ClinGen allele CA70627351.

ClinVar aggregate classification (germline): Pathogenic. Review status: criteria provided, multiple submitters, no conflicts (2 of 4 stars). 5 submissions from 5 submitters: Pathogenic (5). Last evaluated 2025-07-14.

Conditions:
Congenital myasthenic syndrome 5. Identifiers: Orphanet 590, MedGen C1864233, MONDO:0011281, OMIM 603034.

Submissions (5):

Labcorp Genetics (formerly Invitae), Labcorp
Classification: Pathogenic for Congenital myasthenic syndrome 5. Last evaluated: 2025-07-14. Review status: criteria provided, single submitter. Criteria: Invitae Variant Classification Sherloc (09022015). Collection method: clinical testing. Allele origin: germline.
Comment: This sequence change creates a premature translational stop signal (p.Leu53Profs*81) in the COLQ gene. It is expected to result in an absent or disrupted protein product. Loss-of-function variants in COLQ are known to be pathogenic (PMID: 22678886). This variant is present in population databases (no rsID available, gnomAD 0.0009%). This premature translational stop signal has been observed in individuals with congenital myasthenic syndrome (PMID: 18180250, 23108489). This variant is also known as 158insC. ClinVar contains an entry for this variant (Variation ID: 468343). For these reasons, this variant has been classified as Pathogenic.

Dasa
Classification: Pathogenic. Last evaluated: 2024-11-26. Review status: criteria provided, single submitter. Criteria: DASA Assertion Criteria. Collection method: clinical testing. Allele origin: germline.
Comment: NM_005677.4(COLQ):c.157dup (p.Leu53Profs*81) introduces a premature termination codon predicted to result in loss of normal protein function. Loss-of-function is an established mechanism of disease for this gene. The variant is present at low frequency in population datasets. Based on the available data, this variant is classified as pathogenic.

Laboratorio de Biologia Molecular - Genetica, Hospital de Pediatria Garrahan
Classification: Pathogenic for Congenital myasthenic syndrome 5. Last evaluated: 2023-12-11. Review status: criteria provided, single submitter. Criteria: ACMG Guidelines, 2015. Collection method: clinical testing. Allele origin: biparental. Inheritance: Autosomal recessive inheritance. Affected: yes. Observed: 1 homozygote.
Comment: This sequence change creates a premature translational stop signal, p.(Leu53Profs*81), within the COLQ gene that is expected to result in a truncated or absent protein. This variant has been observed in individuals diagnosed with congenital myasthenic syndrome (PMID: 18180250, 23108489), alternatively referred to as 158insC (PMID: 18180250). Based on these findings, the variant has been classified as Pathogenic.

Baylor Genetics
Classification: Pathogenic for Congenital myasthenic syndrome 5. Last evaluated: 2023-11-16. Review status: criteria provided, single submitter. Criteria: ACMG Guidelines, 2015. Collection method: clinical testing. Allele origin: unknown.

Mendelics
Classification: Pathogenic for Congenital myasthenic syndrome 5. Last evaluated: 2019-05-28. Review status: criteria provided, single submitter. Criteria: Mendelics Assertion Criteria 2017. Collection method: clinical testing. Allele origin: unknown.

Literature cited by the submitters: PubMed 22678886 (cited by Labcorp Genetics (formerly Invitae), Labcorp); PubMed 18180250 (cited by Labcorp Genetics (formerly Invitae), Labcorp and Laboratorio de Biologia Molecular - Genetica, Hospital de Pediatria Garrahan); PubMed 23108489 (cited by Labcorp Genetics (formerly Invitae), Labcorp and Laboratorio de Biologia Molecular - Genetica, Hospital de Pediatria Garrahan).